The following is an entry in ClinVar:

ClinVar aggregate classification (germline): Pathogenic (1 of 4 stars; one submission).

Allele frequency attached by ClinVar (database versions not stated): gnomAD exomes 0.00001.
gnomAD v4.1: 5 of 1,613,972 alleles (0.00031%); highest among the groups gnomAD compares: Non-Finnish European, 0.00042%; no homozygotes.

Submission:

Labcorp Genetics (formerly Invitae), Labcorp
Classification: Pathogenic. Last evaluated: 2023-10-24. Review status: criteria provided, single submitter. Criteria: Invitae Variant Classification Sherloc (09022015). Collection method: clinical testing. Allele origin: germline.
Comment: This sequence change creates a premature translational stop signal (p.Trp358*) in the CNGA3 gene. While this is not anticipated to result in nonsense mediated decay, it is expected to disrupt the last 337 amino acid(s) of the CNGA3 protein. This variant is not present in population databases (gnomAD no frequency). This premature translational stop signal has been observed in individual(s) with inherited retinal dystrophy and achromatopsia (PMID: 24903488, 26493561). This variant disrupts a region of the CNGA3 protein in which other variant(s) (p.Arg661His) have been determined to be pathogenic (PMID: 32913385; Invitae). This suggests that this is a clinically significant region of the protein, and that variants that disrupt it are likely to be disease-causing. For these reasons, this variant has been classified as Pathogenic.

Literature cited by the submitters: PubMed 24903488; PubMed 26493561; PubMed 32913385.

NM_001298.3(CNGA3):c.1073G>A (p.Trp358Ter)

Gene: CNGA3 (cyclic nucleotide gated channel subunit alpha 3; plus strand). Cytogenetic location: 2q11.2.
Variant type: single nucleotide variant.
Coding change: c.1073G>A on transcript NM_001298.3 (MANE Select); coding-DNA position 1073, G replaced by A.
Protein change: p.Trp358Ter; replaces tryptophan 358 with a stop codon.
Molecular consequence: nonsense.
Genome position (GRCh38, 1-based): chr2:98,396,243, G>A. VCF-style: chr2-98396243-G-A. GRCh37 (hg19) VCF-style: chr2-99012706-G-A.
Other names: c.1019G>A, p.Trp340Ter (NM_001079878.2); short protein forms W358*, W340*.
Identifiers: ClinVar variation 2771641 (VCV002771641.3), dbSNP rs2467029031, ClinGen allele CA347832776.
Genomic context (GRCh38, chr2:98,396,243, plus strand): 5'-CAAACATCTCAATCCCAGAGCATGGGCGCCTCTCCAGGAAGTACATTTACAGTCTCTACT[G>A]GTCCACCTTGACCCTTACCACCATTGGTGAGACCCCACCCCCCGTGAAAGATGAGGAGTA-3'